The following is an entry in ClinVar:

ClinVar aggregate classification (germline): Pathogenic. Review status: criteria provided, multiple submitters, no conflicts (2 of 4 stars). 2 submissions from 2 submitters: Pathogenic (2). Last evaluated 2025-11-24.

Conditions:
Cerebral cavernous malformation 3. Also called: Familial Cerebral Cavernous Malformation 3. Identifiers: Orphanet 221061, MedGen C1864040, MONDO:0011305, OMIM 603285.

Allele frequency attached by ClinVar (database versions not stated): ExAC 0.00001.

Submissions (2):

Labcorp Genetics (formerly Invitae), Labcorp
Classification: Pathogenic for Cerebral cavernous malformation 3. Last evaluated: 2025-11-24. Review status: criteria provided, single submitter. Criteria: Invitae Variant Classification Sherloc (09022015). Collection method: clinical testing. Allele origin: germline.
Comment: This sequence change affects a donor splice site in intron 7 of the PDCD10 gene. While this variant is not anticipated to result in nonsense mediated decay, it likely alters RNA splicing and results in a disrupted protein product. This variant is not present in population databases (gnomAD no frequency). Disruption of this splice site has been observed in individual(s) with cerebral cavernous malformations (PMID: 23801932; internal data). ClinVar contains an entry for this variant (Variation ID: 1326560). Variants that disrupt the consensus splice site are a relatively common cause of aberrant splicing (PMID: 17576681, 9536098). Algorithms developed to predict the effect of sequence changes on RNA splicing suggest that this variant may disrupt the consensus splice site. This variant disrupts the C-terminus of the PDCD10 protein. Other variant(s) that disrupt this region (p.Arg196*) have been observed in individuals with PDCD10-related conditions (PMID: 15543491, 30161288). This suggests that this may be a clinically significant region of the protein. For these reasons, this variant has been classified as Pathogenic.

GeneDx
Classification: Pathogenic. Last evaluated: 2021-11-15. Review status: criteria provided, single submitter. Criteria: GeneDx Variant Classification Process June 2021. Collection method: clinical testing. Allele origin: germline. Affected: yes.
Comment: Canonical splice site variant predicted to result in a null allele in a gene for which loss-of-function is a known mechanism of disease; Not observed at significant frequency in large population cohorts (Lek et al., 2016); Has not been previously published as pathogenic or benign to our knowledge; This variant is associated with the following publications: (PMID: 23801932)

Literature cited by the submitters: PubMed 23801932 (cited by Labcorp Genetics (formerly Invitae), Labcorp); PubMed 17576681 (cited by Labcorp Genetics (formerly Invitae), Labcorp); PubMed 9536098 (cited by Labcorp Genetics (formerly Invitae), Labcorp); PubMed 15543491 (cited by Labcorp Genetics (formerly Invitae), Labcorp); PubMed 30161288 (cited by Labcorp Genetics (formerly Invitae), Labcorp).

NM_007217.4(PDCD10):c.557+1G>A

Gene: PDCD10 (programmed cell death 10; minus strand). Cytogenetic location: 3q26.1.
Variant type: single nucleotide variant.
Coding change: c.557+1G>A on transcript NM_007217.4 (MANE Select); the canonical splice donor site of the intron after coding-DNA position 557, G replaced by A.
Molecular consequence: splice donor variant.
Genome position (GRCh38, 1-based): chr3:167,687,233, C>T on the plus strand (G>A on the coding strand, the complement: PDCD10 is on the minus strand). VCF-style: chr3-167687233-C-T. GRCh37 (hg19) VCF-style: chr3-167405021-C-T.
Other names: c.557+1G>A (NM_145860.2, NM_145859.2).
Identifiers: ClinVar variation 1326560 (VCV001326560.5), dbSNP rs747383685, ClinGen allele CA2694534.